The following is an entry in ClinVar:

NM_001004334.4(GPR179):c.1024C>A (p.Gln342Lys)

Gene: GPR179 (G protein-coupled receptor 179; minus strand). Cytogenetic location: 17q12.
Variant type: single nucleotide variant.
Coding change: c.1024C>A on transcript NM_001004334.4 (MANE Select); coding-DNA position 1024, C replaced by A.
Protein change: p.Gln342Lys; replaces glutamine 342 with lysine.
Molecular consequence: missense variant.
Genome position (GRCh38, 1-based): chr17:38,337,181, G>T on the plus strand (C>A on the coding strand, the complement: GPR179 is on the minus strand). VCF-style: chr17-38337181-G-T. GRCh37 (hg19) VCF-style: chr17-36493064-G-T.
Other names: short protein forms Q342K.
Identifiers: ClinVar variation 1049181 (VCV001049181.1), dbSNP rs2144273215, ClinGen allele CA398887944.

ClinVar aggregate classification (germline): Uncertain significance (0 of 4 stars; one submission).

Submission:

Department of Pathology and Laboratory Medicine, Sinai Health System
Classification: Uncertain significance. Review status: no assertion criteria provided. Collection method: clinical testing. Allele origin: unknown. Affected: yes. Study: The Canadian Open Genetics Repository (COGR).
Comment: The GPR179 p.Gln342Lys variant was not identified in the literature nor was it identified in dbSNP, ClinVar, Cosmic or LOVD 3.0. The variant was not identified in the following control databases: the 1000 Genomes Project, the NHLBI GO Exome Sequencing Project, the Exome Aggregation Consortium (August 8th 2016), or the Genome Aggregation Database (Feb 27, 2017). The variant occurs outside of the splicing consensus sequence and 3 of 4 in silico or computational prediction software programs (MaxEntScan, NNSPLICE, GeneSplicer) do not predict a greater than 10% difference in splicing. The p.Gln342 residue is conserved in mammals and computational analyses (PolyPhen-2, SIFT, AlignGVGD, BLOSUM, MutationTaster) provide inconsistent predictions regarding the impact to the protein; this information is not very predictive of pathogenicity. In summary, based on the above information the clinical significance of this variant cannot be determined with certainty at this time. This variant is classified as a variant of uncertain significance.